The following is an entry in ClinVar:

ClinVar aggregate classification (germline): Benign/Likely benign. Review status: criteria provided, multiple submitters, no conflicts (2 of 4 stars). 3 submissions from 3 submitters: Benign (1); Likely benign (1). 1 of the submissions does not count toward it. Last evaluated 2025-03-12.

Conditions:
MMP2-related disorder. Also called: MMP2-related condition.

Allele frequency attached by ClinVar (database versions not stated): gnomAD exomes 0.00020; ESP Exome Variant Server 0.00023; ExAC 0.00026; 1000 Genomes Project 0.00060.
gnomAD v4.1: 319 of 1,127,804 alleles (0.028%); highest among the groups gnomAD compares: South Asian, 0.057%; 1 homozygote.

Submissions (3):

Labcorp Genetics (formerly Invitae), Labcorp
Classification: Benign. Last evaluated: 2025-03-12. Review status: criteria provided, single submitter. Criteria: Invitae Variant Classification Sherloc (09022015). Collection method: clinical testing. Allele origin: germline.

Blueprint Genetics
Classification: Likely benign. Last evaluated: 2024-11-01. Review status: criteria provided, single submitter. Criteria: ACMG Guidelines, 2015. Collection method: clinical testing. Allele origin: germline.

PreventionGenetics, part of Exact Sciences
Classification: Likely benign for MMP2-related condition. Last evaluated: 2019-07-15. Review status: no assertion criteria provided. Collection method: clinical testing. Allele origin: germline. Not counted in ClinVar's aggregate classification.
Comment: This variant is classified as likely benign based on ACMG/AMP sequence variant interpretation guidelines (Richards et al. 2015 PMID: 25741868, with internal and published modifications).

NM_004530.6(MMP2):c.1336+10C>T

Gene: MMP2 (matrix metallopeptidase 2; plus strand). Cytogenetic location: 16q12.2.
Variant type: single nucleotide variant.
Coding change: c.1336+10C>T on transcript NM_004530.6 (MANE Select); 10 bases into the intron after coding-DNA position 1336, C replaced by T.
Molecular consequence: intron variant.
Genome position (GRCh38, 1-based): chr16:55,491,966, C>T. VCF-style: chr16-55491966-C-T. GRCh37 (hg19) VCF-style: chr16-55525878-C-T.
Other names: c.1108+10C>T (NM_001302508.1, NM_001302510.2, NM_001302509.2); c.1186+10C>T (NM_001127891.3).
Identifiers: ClinVar variation 757738 (VCV000757738.11), dbSNP rs375047862, ClinGen allele CA8060373.